The following is an entry in ClinVar:

NM_005068.3(SIM1):c.294T>A (p.Asp98Glu)

Gene: SIM1 (SIM bHLH transcription factor 1; minus strand). Cytogenetic location: 6q16.3.
Variant type: single nucleotide variant.
Coding change: c.294T>A on transcript NM_005068.3 (MANE Select); coding-DNA position 294, T replaced by A.
Protein change: p.Asp98Glu; replaces aspartic acid 98 with glutamic acid.
Molecular consequence: missense variant.
Genome position (GRCh38, 1-based): chr6:100,450,321, A>T on the plus strand (T>A on the coding strand, the complement: SIM1 is on the minus strand). VCF-style: chr6-100450321-A-T. GRCh37 (hg19) VCF-style: chr6-100898197-A-T.
Other names: c.294T>A, p.Asp98Glu (NM_001374769.1); short protein forms D98E.
Identifiers: ClinVar variation 4988622 (VCV004988622.1).

ClinVar aggregate classification (germline): Uncertain significance (1 of 4 stars; one submission).

Conditions:
SIM1-related disorder. Also called: SIM1-related disorders; SIM1-related condition.

gnomAD v4.1: 6 of 1,614,118 alleles (0.00037%); highest among the groups gnomAD compares: South Asian, 0.0055%; no homozygotes.

Submission:

PreventionGenetics, part of Exact Sciences
Classification: Uncertain significance for SIM1-related condition. Last evaluated: 2025-05-07. Review status: criteria provided, single submitter. Criteria: ACMG Guidelines, 2015. Collection method: clinical testing. Allele origin: germline.
Comment: The SIM1 c.294T>A variant is predicted to result in the amino acid substitution p.Asp98Glu. To our knowledge, this variant has not been reported in the literature. This variant is reported in 0.0098% of alleles in individuals of South Asian descent in gnomAD. At this time, the clinical significance of this variant is uncertain due to the absence of conclusive functional and genetic evidence.